The following is an entry in ClinVar:

NM_000218.3(KCNQ1):c.1284C>T (p.Asp428=)

Gene: KCNQ1 (potassium voltage-gated channel subfamily Q member 1; plus strand). Cytogenetic location: 11p15.5.
Variant type: single nucleotide variant.
Coding change: c.1284C>T on transcript NM_000218.3 (MANE Select); coding-DNA position 1284, C replaced by T.
Protein change: p.Asp428=; no amino-acid change (aspartic acid 428 retained).
Molecular consequence: synonymous variant.
Genome position (GRCh38, 1-based): chr11:2,588,745, C>T. VCF-style: chr11-2588745-C-T. GRCh37 (hg19) VCF-style: chr11-2609975-C-T.
Other names: c.1188C>T, p.Asp396= (NM_001406836.1); c.1014C>T, p.Asp338= (NM_001406837.1); c.744C>T, p.Asp248= (NM_001406838.1); c.903C>T, p.Asp301= (NM_181798.2).
Identifiers: ClinVar variation 919343 (VCV000919343.6), dbSNP rs1848629586, ClinGen allele CA472039748.

ClinVar aggregate classification (germline): Likely benign. Review status: criteria provided, multiple submitters, no conflicts (2 of 4 stars). 2 submissions from 2 submitters: Likely benign (2). Last evaluated 2024-09-27.

Conditions:
Cardiac arrhythmia. Also called: Cardiac rhythm disease; Arrhythmia. Identifiers: MedGen C0003811, MONDO:0007263, HP:0011675.
Long QT syndrome (LQTS). Identifiers: MedGen C0023976, MeSH D008133, MONDO:0002442. Disease mechanism: loss of function. Inheritance: Various modes of inheritance.

Submissions (2):

All of Us Research Program, National Institutes of Health
Classification: Likely benign for Long QT syndrome. Last evaluated: 2024-09-27. Review status: criteria provided, single submitter. Criteria: ACMG Guidelines, 2015. Collection method: clinical testing. Allele origin: germline. Inheritance: Autosomal dominant inheritance. Observed: 1 variant allele, 1 heterozygote.
Comment: This study involves interpretation of variants in research participants for the purpose of population health screening. Participant phenotype was not available at the time of variant classification. Additional details can be found in publication PMID: 35346344, PMCID: PMC8962531

Color Diagnostics, LLC DBA Color Health
Classification: Likely benign for Arrhythmia. Last evaluated: 2019-04-01. Review status: criteria provided, single submitter. Criteria: ACMG Guidelines, 2015. Collection method: clinical testing. Allele origin: germline.